The following is an entry in ClinVar:

ClinVar aggregate classification (germline): Uncertain significance (1 of 4 stars; one submission).

Submission:

Labcorp Genetics (formerly Invitae), Labcorp
Classification: Uncertain significance. Last evaluated: 2021-03-18. Review status: criteria provided, single submitter. Criteria: Invitae Variant Classification Sherloc (09022015). Collection method: clinical testing. Allele origin: germline.
Comment: This sequence change replaces alanine with glycine at codon 2808 of the DMXL2 protein (p.Ala2808Gly). The alanine residue is highly conserved and there is a small physicochemical difference between alanine and glycine. This variant is not present in population databases (ExAC no frequency). This variant has not been reported in the literature in individuals with DMXL2-related conditions. Algorithms developed to predict the effect of missense changes on protein structure and function are either unavailable or do not agree on the potential impact of this missense change (SIFT: "Deleterious"; PolyPhen-2: "Probably Damaging"; Align-GVGD: "Class C0"). In summary, the available evidence is currently insufficient to determine the role of this variant in disease. Therefore, it has been classified as a Variant of Uncertain Significance.

NM_001378457.1(DMXL2):c.8486C>G (p.Ala2829Gly)

Gene: DMXL2 (Dmx like 2; minus strand). Cytogenetic location: 15q21.2.
Variant type: single nucleotide variant.
Coding change: c.8486C>G on transcript NM_001378457.1 (MANE Select); coding-DNA position 8486, C replaced by G.
Protein change: p.Ala2829Gly; replaces alanine 2829 with glycine.
Molecular consequence: missense variant. On other transcripts: non-coding transcript variant (2).
Genome position (GRCh38, 1-based): chr15:51,456,106, G>C on the plus strand (C>G on the coding strand, the complement: DMXL2 is on the minus strand). VCF-style: chr15-51456106-G-C. GRCh37 (hg19) VCF-style: chr15-51748303-G-C.
Other names: c.8423C>G, p.Ala2808Gly (NM_001174116.3); c.6512C>G, p.Ala2171Gly (NM_001174117.3); c.8483C>G, p.Ala2828Gly (NM_001378458.1); c.8198C>G, p.Ala2733Gly (NM_001378459.1); c.6401C>G, p.Ala2134Gly (NM_001378460.1); c.8420C>G, p.Ala2807Gly (NM_015263.5); short protein forms A2808G, A2828G, A2733G, A2829G, A2134G, A2171G, A2807G.
Identifiers: ClinVar variation 1488527 (VCV001488527.7), dbSNP rs757637147, ClinGen allele CA392433713.
Genomic context (GRCh38, chr15:51,456,106, plus strand): 5'-AGTAGCCCCCAGAAACTAACCTTGTTGCCTTGTGAATTAAAATATAATCTAGTAACTCTT[G>C]CATTGCCAGCTTGACGAAAGCAGACAAGTTGCTGAGGCCGCGTCCATTCAAACATTCGTA-3'
Protein context (NP_001365386.1, residues 2819-2839): QLVCFRQAGN[Ala2829Gly]RVTRLYFNSQ